The following is an entry in ClinVar:

ClinVar aggregate classification (germline): Likely pathogenic (1 of 4 stars; one submission).

Conditions:
Autosomal recessive severe congenital neutropenia due to G6PC3 deficiency. Also called: NEUTROPENIA, SEVERE CONGENITAL, 4, AUTOSOMAL RECESSIVE; G6PC3 Deficiency. Identifiers: Orphanet 331176, MedGen C2751630, MONDO:0012930, OMIM 612541.

Submission:

Juno Genomics, Hangzhou Juno Genomics, Inc
Classification: Likely pathogenic for Autosomal recessive severe congenital neutropenia due to G6PC3 deficiency. Review status: criteria provided, single submitter. Criteria: ACMG Guidelines, 2015. Collection method: clinical testing. Allele origin: germline.
Comment: Null variant in a gene where loss of function (LOF) is a known mechanism of disease.;Absent from controls (or at extremely low frequency if recessive) in Genome Aggregation Database.

NM_138387.4(G6PC3):c.116_119del (p.Phe39fs)

Genes: G6PC3 (glucose-6-phosphatase catalytic subunit 3; plus strand), LOC130060959 (ATAC-STARR-seq lymphoblastoid active region 12250; plus strand). Cytogenetic location: 17q21.31.
Variant type: Deletion.
Coding change: c.116_119del on transcript NM_138387.4 (MANE Select); coding-DNA positions 116 to 119, 4 bases deleted (TTCT; older notation c.116_119delTTCT).
Protein change: p.Phe39fs; shifts the reading frame from phenylalanine 39.
Molecular consequence: frameshift variant. On other transcripts: 5 prime UTR variant (3), intron variant (1).
Genome position (GRCh38, 1-based): chr17:44,071,081-44,071,084, TTCT deleted; deleting any 4 consecutive bases within chr17:44,071,078-44,071,084 gives the same sequence; the c. name uses the placement nearest the transcript's 3' end. VCF-style (leftmost placement, unchanged base first): chr17-44071077-CTCTT-C. GRCh37 (hg19) VCF-style: chr17-42148445-CTCTT-C.
Other names: c.116_119del, p.Phe39fs (NM_001319945.2); c.-289_-286del (NM_001384165.1); c.-424_-421del (NM_001384166.1); c.-414_-411del (NM_001384167.1); c.-312+367_-312+370del (NM_001384168.1); short protein forms F39fs.
Identifiers: ClinVar variation 5005763 (VCV005005763.2).